The following is an entry in ClinVar:

ClinVar aggregate classification (germline): Uncertain significance (1 of 4 stars; one submission).

Conditions:
T-B+ severe combined immunodeficiency due to JAK3 deficiency. Also called: SCID, T CELL-NEGATIVE, B CELL-POSITIVE, NK CELL-NEGATIVE; SCID, autosomal recessive, T-negative/B-positive type. Identifiers: Orphanet 35078, MedGen C1833275, MONDO:0010938, OMIM 600802.

gnomAD v4.1: 1 of 1,608,860 alleles (0.000062%); highest among the groups gnomAD compares: Admixed American, 0.0017%; no homozygotes.

Submission:

Labcorp Genetics (formerly Invitae), Labcorp
Classification: Uncertain significance for T-B+ severe combined immunodeficiency due to JAK3 deficiency. Last evaluated: 2023-03-02. Review status: criteria provided, single submitter. Criteria: Invitae Variant Classification Sherloc (09022015). Collection method: clinical testing. Allele origin: germline.
Comment: Advanced modeling of protein sequence and biophysical properties (such as structural, functional, and spatial information, amino acid conservation, physicochemical variation, residue mobility, and thermodynamic stability) performed at Invitae indicates that this missense variant is expected to disrupt JAK3 protein function. This sequence change replaces arginine, which is basic and polar, with glycine, which is neutral and non-polar, at codon 948 of the JAK3 protein (p.Arg948Gly). This variant is not present in population databases (gnomAD no frequency). This variant has not been reported in the literature in individuals affected with JAK3-related conditions. In summary, the available evidence is currently insufficient to determine the role of this variant in disease. Therefore, it has been classified as a Variant of Uncertain Significance.

NM_000215.4(JAK3):c.2842C>G (p.Arg948Gly)

Gene: JAK3 (Janus kinase 3; minus strand). Cytogenetic location: 19p13.11.
Variant type: single nucleotide variant.
Coding change: c.2842C>G on transcript NM_000215.4 (MANE Select); coding-DNA position 2842, C replaced by G.
Protein change: p.Arg948Gly; replaces arginine 948 with glycine.
Molecular consequence: missense variant.
Genome position (GRCh38, 1-based): chr19:17,831,364, G>C on the plus strand (C>G on the coding strand, the complement: JAK3 is on the minus strand). VCF-style: chr19-17831364-G-C. GRCh37 (hg19) VCF-style: chr19-17942173-G-C.
Other names: short protein forms R948G.
Identifiers: ClinVar variation 2842295 (VCV002842295.3), dbSNP rs200202992, ClinGen allele CA306126773.
Genomic context (GRCh38, chr19:17,831,364, plus strand): 5'-AGTCAGCGATCTTGACGTGTGCCTCGCTCTCCACGAGGATGTTTCGGGCGGCCAGGTCGC[G>C]GTGCACGCAGCGGCGGGAGCCCAGGTACTCCATGCCCTGCGGGCGGGCGGTGTGAGCGTG-3'
Protein context (NP_000206.2, residues 938-958): EYLGSRRCVH[Arg948Gly]DLAARNILVE